The following is an entry in ClinVar:

NM_004006.3(DMD):c.9491A>T (p.Glu3164Val)

Gene: DMD (dystrophin; minus strand). Cytogenetic location: Xp21.2.
Variant type: single nucleotide variant.
Coding change: c.9491A>T on transcript NM_004006.3 (MANE Select); coding-DNA position 9491, A replaced by T.
Protein change: p.Glu3164Val; replaces glutamic acid 3164 with valine.
Molecular consequence: missense variant.
Genome position (GRCh38, 1-based): chrX:31,209,570, T>A on the plus strand (A>T on the coding strand, the complement: DMD is on the minus strand). VCF-style: chrX-31209570-T-A. GRCh37 (hg19) VCF-style: chrX-31227687-T-A.
Other names: c.9491A>T (NM_004006.2); c.9467A>T, p.Glu3156Val (NM_000109.4); c.9479A>T, p.Glu3160Val (NM_004009.3); c.9122A>T, p.Glu3041Val (NM_004010.3); c.5468A>T, p.Glu1823Val (NM_004011.4); c.5459A>T, p.Glu1820Val (NM_004012.4); c.2111A>T, p.Glu704Val (NM_004013.3, NM_004020.4, NM_004021.3 and 2 more transcripts); c.1304A>T, p.Glu435Val (NM_004014.3); and 1 more; short protein forms E1823V, E3160V, E3164V, E435V, E704V, E3041V, E96V, E1820V.
Identifiers: ClinVar variation 1467969 (VCV001467969.9), dbSNP rs2148591470, ClinGen allele CA412649880.

ClinVar aggregate classification (germline): Uncertain significance. Review status: criteria provided, multiple submitters, no conflicts (2 of 4 stars). 2 submissions from 2 submitters: Uncertain significance (2). Last evaluated 2024-06-04.

Conditions:
Duchenne muscular dystrophy (DMD). Also called: Duchenne Muscular Dystrophy (DMD); MUSCULAR DYSTROPHY, PSEUDOHYPERTROPHIC PROGRESSIVE, DUCHENNE TYPE. Identifiers: Orphanet 98896, MedGen C0013264, MONDO:0010679, OMIM 310200.

gnomAD v4.1: 2 of 1,211,581 alleles (0.00017%); highest among the groups gnomAD compares: Non-Finnish European, 0.00022%; no homozygotes.

Submissions (2):

GeneDx
Classification: Uncertain significance. Last evaluated: 2024-06-04. Review status: criteria provided, single submitter. Criteria: GeneDx Variant Classification Process June 2021. Collection method: clinical testing. Allele origin: germline. Affected: yes.
Comment: Not observed at significant frequency in large population cohorts (gnomAD); In silico analysis supports that this missense variant has a deleterious effect on protein structure/function; Has not been previously published as pathogenic or benign to our knowledge

Labcorp Genetics (formerly Invitae), Labcorp
Classification: Uncertain significance for Duchenne muscular dystrophy. Last evaluated: 2021-07-21. Review status: criteria provided, single submitter. Criteria: Invitae Variant Classification Sherloc (09022015). Collection method: clinical testing. Allele origin: germline.
Comment: In summary, the available evidence is currently insufficient to determine the role of this variant in disease. Therefore, it has been classified as a Variant of Uncertain Significance. Algorithms developed to predict the effect of missense changes on protein structure and function are either unavailable or do not agree on the potential impact of this missense change (SIFT: "Deleterious"; PolyPhen-2: "Benign"; Align-GVGD: "Class C0"). This variant has not been reported in the literature in individuals affected with DMD-related conditions. This variant is not present in population databases (ExAC no frequency). This sequence change replaces glutamic acid with valine at codon 3164 of the DMD protein (p.Glu3164Val). The glutamic acid residue is highly conserved and there is a moderate physicochemical difference between glutamic acid and valine.